The following is an entry in ClinVar:

ClinVar aggregate classification (germline): Likely benign (0 of 4 stars; one submission).

Conditions:
AP3B2-related disorder. Also called: AP3B2-related condition.

Allele frequency attached by ClinVar (database versions not stated): ESP Exome Variant Server 0.00026; ExAC 0.00028; gnomAD 0.00054; gnomAD exomes 0.00109.

Submission:

PreventionGenetics, part of Exact Sciences
Classification: Likely benign for AP3B2-related condition. Last evaluated: 2022-01-04. Review status: no assertion criteria provided. Collection method: clinical testing. Allele origin: germline.
Comment: This variant is classified as likely benign based on ACMG/AMP sequence variant interpretation guidelines (Richards et al. 2015 PMID: 25741868, with internal and published modifications).

NM_001278512.2(AP3B2):c.771+9_771+16del

Genes: AP3B2 (adaptor related protein complex 3 subunit beta 2; minus strand), CPEB1-AS1 (CPEB1 antisense RNA 1; plus strand). Cytogenetic location: 15q25.2.
Variant type: Deletion.
Coding change: c.771+9_771+16del on transcript NM_001278512.2 (MANE Select); bases 9 to 16 of the intron after coding-DNA position 771, 8 bases deleted (GCCCAGCC; older notation c.771+9_771+16delGCCCAGCC).
Molecular consequence: intron variant.
Genome position (GRCh38, 1-based): chr15:82,680,821-82,680,828, GGCTGGGC deleted on the plus strand (GCCCAGCC on the coding strand, the reverse complement: AP3B2 is on the minus strand). VCF-style (leftmost placement, unchanged base first): chr15-82680820-GGGCTGGGC-G. GRCh37 (hg19) VCF-style: chr15-83349572-GGGCTGGGC-G.
Other names: c.675+9_675+16del (NM_001278511.2); c.771+9_771+16del (NM_004644.5).
Identifiers: ClinVar variation 3046232 (VCV003046232.2), dbSNP rs765928445, ClinGen allele CA7700416.